The following is an entry in ClinVar:

NM_000334.4(SCN4A):c.1814A>C (p.His605Pro)

Gene: SCN4A (sodium voltage-gated channel alpha subunit 4; minus strand). Cytogenetic location: 17q23.3.
Variant type: single nucleotide variant.
Coding change: c.1814A>C on transcript NM_000334.4 (MANE Select); coding-DNA position 1814, A replaced by C.
Protein change: p.His605Pro; replaces histidine 605 with proline.
Molecular consequence: missense variant.
Genome position (GRCh38, 1-based): chr17:63,961,224, T>G on the plus strand (A>C on the coding strand, the complement: SCN4A is on the minus strand). VCF-style: chr17-63961224-T-G. GRCh37 (hg19) VCF-style: chr17-62038584-T-G.
Other names: short protein forms H605P.
Identifiers: ClinVar variation 2995738 (VCV002995738.3), dbSNP rs2144798572, ClinGen allele CA400632852.
Genomic context (GRCh38, chr17:63,961,224, plus strand): 5'-GAATGATCCCCTCCCCCGCCCCTCCCTACCAGGTTGCCCACAGTGAGCACGTTGTCAAAG[T>G]GCTCCGTCATGGGGTAATGTTCCATGGCCATGAAGAGGGTGTTGAGCACGATGCAGATGG-3'
Protein context (NP_000325.4, residues 595-615): MAMEHYPMTE[His605Pro]FDNVLTVGNL

ClinVar aggregate classification (germline): Uncertain significance (1 of 4 stars; one submission).

Conditions:
Hyperkalemic periodic paralysis. Also called: Familial hyperkalemic periodic paralysis; Gamstorp disease. Identifiers: Orphanet 682, MedGen C0238357, MONDO:0008224, OMIM 170500, HP:0007215.

Allele frequency attached by ClinVar (database versions not stated): gnomAD exomes below 0.00001.
gnomAD v4.1: 5 of 1,557,470 alleles (0.00032%); highest among the groups gnomAD compares: Non-Finnish European, 0.00043%; no homozygotes.

Submission:

Labcorp Genetics (formerly Invitae), Labcorp
Classification: Uncertain significance for Hyperkalemic periodic paralysis. Last evaluated: 2022-11-16. Review status: criteria provided, single submitter. Criteria: Invitae Variant Classification Sherloc (09022015). Collection method: clinical testing. Allele origin: germline.
Comment: In summary, the available evidence is currently insufficient to determine the role of this variant in disease. Therefore, it has been classified as a Variant of Uncertain Significance. Advanced modeling of protein sequence and biophysical properties (such as structural, functional, and spatial information, amino acid conservation, physicochemical variation, residue mobility, and thermodynamic stability) performed at Invitae indicates that this missense variant is not expected to disrupt SCN4A protein function. This variant has not been reported in the literature in individuals affected with SCN4A-related conditions. This variant is not present in population databases (gnomAD no frequency). This sequence change replaces histidine, which is basic and polar, with proline, which is neutral and non-polar, at codon 605 of the SCN4A protein (p.His605Pro).